The following is an entry in ClinVar:

ClinVar aggregate classification (germline): Uncertain significance (1 of 4 stars; one submission).

Conditions:
Catecholaminergic polymorphic ventricular tachycardia 1. Also called: VENTRICULAR TACHYCARDIA, STRESS-INDUCED POLYMORPHIC 1; VENTRICULAR TACHYCARDIA, CATECHOLAMINERGIC POLYMORPHIC, 1, WITH OR WITHOUT ATRIAL DYSFUNCTION AND/OR DILATED CARDIOMYOPATHY; RYR2-Related Catecholaminergic Polymorphic Ventricular Tachycardia. Identifiers: Orphanet 3286, MedGen C1631597, MONDO:0011484, OMIM 604772.

Submission:

Labcorp Genetics (formerly Invitae), Labcorp
Classification: Uncertain significance for Catecholaminergic polymorphic ventricular tachycardia 1. Last evaluated: 2022-05-22. Review status: criteria provided, single submitter. Criteria: Invitae Variant Classification Sherloc (09022015). Collection method: clinical testing. Allele origin: germline.
Comment: In summary, the available evidence is currently insufficient to determine the role of this variant in disease. Therefore, it has been classified as a Variant of Uncertain Significance. Algorithms developed to predict the effect of sequence changes on RNA splicing suggest that this variant may create or strengthen a splice site. This variant has not been reported in the literature in individuals affected with RYR2-related conditions. This variant is not present in population databases (gnomAD no frequency). This sequence change creates a premature translational stop signal (p.Glu3002Lysfs*3) in the RYR2 gene. It is expected to result in an absent or disrupted protein product. However, the current clinical and genetic evidence is not sufficient to establish whether loss-of-function variants in RYR2 cause disease.

NM_001035.3(RYR2):c.9003del (p.Glu3002fs)

Gene: RYR2 (ryanodine receptor 2; plus strand). Cytogenetic location: 1q43.
Variant type: Deletion.
Coding change: c.9003del on transcript NM_001035.3 (MANE Select); coding-DNA position 9003, one base deleted (A; older notation c.9003delA).
Protein change: p.Glu3002fs; shifts the reading frame from glutamic acid 3002.
Molecular consequence: frameshift variant.
Genome position (GRCh38, 1-based): chr1:237,680,563, A deleted; the last of 3 consecutive A bases (chr1:237,680,561-237,680,563); deleting any one gives the same sequence. VCF-style (leftmost placement, unchanged base first): chr1-237680560-GA-G. GRCh37 (hg19) VCF-style: chr1-237843860-GA-G.
Other names: short protein forms E3002fs.
Identifiers: ClinVar variation 2172843 (VCV002172843.4), dbSNP rs2547249703, ClinGen allele CA2580062424.